The following is an entry in ClinVar:

NM_182914.3(SYNE2):c.18772_18773del (p.Leu6258fs)

Gene: SYNE2 (spectrin repeat containing nuclear envelope protein 2; plus strand). Cytogenetic location: 14q23.2.
Variant type: Deletion.
Coding change: c.18772_18773del on transcript NM_182914.3 (MANE Select); coding-DNA positions 18772 to 18773, 2 bases deleted (CT; older notation c.18772_18773delCT).
Protein change: p.Leu6258fs; shifts the reading frame from leucine 6258.
Molecular consequence: frameshift variant.
Genome position (GRCh38, 1-based): chr14:64,212,009-64,212,010, CT deleted; deleting any 2 consecutive bases within chr14:64,212,008-64,212,010 gives the same sequence; the c. name uses the placement nearest the transcript's 3' end. VCF-style (leftmost placement, unchanged base first): chr14-64212007-TTC-T. GRCh37 (hg19) VCF-style: chr14-64678725-TTC-T.
Other names: c.18772_18773del, p.Leu6258fs (NM_015180.6); short protein forms L6258fs.
Identifiers: ClinVar variation 4988800 (VCV004988800.1).

ClinVar aggregate classification (germline): Uncertain significance (1 of 4 stars; one submission).

Conditions:
SYNE2-related disorder. Also called: SYNE2-related condition.

Submission:

PreventionGenetics, part of Exact Sciences
Classification: Uncertain significance for SYNE2-related condition. Last evaluated: 2026-04-01. Review status: criteria provided, single submitter. Criteria: ACMG Guidelines, 2015. Collection method: clinical testing. Allele origin: germline.
Comment: The SYNE2 c.18772_18773delCT variant is predicted to result in a frameshift and premature protein termination (p.Leu6258Glyfs*20). To our knowledge, this variant has not been reported in the literature or in a large population database (gnomAD), indicating this variant is rare. Loss of function is not an established mechanism of SYNE2-related disease. Although we suspect that this variant may be pathogenic, at this time, the clinical significance of this variant is uncertain due to the absence of conclusive functional and genetic evidence.